The following is an entry in ClinVar:

ClinVar aggregate classification (germline): Conflicting classifications of pathogenicity. Review status: criteria provided, conflicting classifications (1 of 4 stars). 3 submissions from 3 submitters: Uncertain significance (2); Likely benign (1). Last evaluated 2025-11-05.

Conditions:
Sotos syndrome (SOTOS). Also called: CEREBRAL GIGANTISM; Sotos' syndrome; Distinctive facial appearance, overgrowth in childhood, and learning disabilities or delayed development; SOTOS SYNDROME 1; CHROMOSOME 5q35 DELETION SYNDROME. Identifiers: Orphanet 821, MedGen C0175695, MONDO:0019349, OMIM 117550.
Inborn genetic diseases. Identifiers: MedGen C0950123, MeSH D030342.

Allele frequency attached by ClinVar (database versions not stated): gnomAD exomes below 0.00001; ExAC 0.00001; gnomAD 0.00001; 1000 Genomes Project 30x 0.00016; 1000 Genomes Project 0.00020.
gnomAD v4.1: 3 of 1,614,180 alleles (0.00019%); highest among the groups gnomAD compares: African/African-American, 0.0013%; no homozygotes.

Submissions (3):

Ambry Genetics
Classification: Uncertain significance for Inborn genetic diseases. Last evaluated: 2025-11-05. Review status: criteria provided, single submitter. Criteria: Ambry Variant Classification Scheme 2023. Collection method: clinical testing. Allele origin: germline.
Comment: The c.1363A>G (p.M455V) alteration is located in exon 5 (coding exon 4) of the NSD1 gene. This alteration results from a A to G substitution at nucleotide position 1363, causing the methionine (M) at amino acid position 455 to be replaced by a valine (V). Based on data from gnomAD, the G allele has an overall frequency of <0.001% (1/251450) total alleles studied. The highest observed frequency was 0.003% (1/30614) of South Asian alleles. Based on insufficient or conflicting evidence, the clinical significance of this alteration remains unclear.

Labcorp Genetics (formerly Invitae), Labcorp
Classification: Likely benign. Last evaluated: 2023-12-11. Review status: criteria provided, single submitter. Criteria: Invitae Variant Classification Sherloc (09022015). Collection method: clinical testing. Allele origin: germline.

Fulgent Genetics
Classification: Uncertain significance for Sotos syndrome. Last evaluated: 2021-07-25. Review status: criteria provided, single submitter. Criteria: ACMG Guidelines, 2015. Collection method: clinical testing. Allele origin: unknown.

NM_022455.5(NSD1):c.1363A>G (p.Met455Val)

Gene: NSD1 (nuclear receptor binding SET domain protein 1; plus strand). Cytogenetic location: 5q35.3.
Variant type: single nucleotide variant.
Coding change: c.1363A>G on transcript NM_022455.5 (MANE Select); coding-DNA position 1363, A replaced by G.
Protein change: p.Met455Val; replaces methionine 455 with valine.
Molecular consequence: missense variant.
Genome position (GRCh38, 1-based): chr5:177,209,762, A>G. VCF-style: chr5-177209762-A-G. GRCh37 (hg19) VCF-style: chr5-176636763-A-G.
Other names: c.490A>G, p.Met164Val (NM_001365684.2, NM_001409306.1, NM_001409307.1 and 3 more transcripts); c.1363A>G, p.Met455Val (NM_001409301.1, NM_001409302.1, NM_001409303.1); c.943A>G, p.Met315Val (NM_001409304.1); c.610A>G, p.Met204Val (NM_001409305.1); short protein forms M186V, M455V, M164V, M204V, M315V.
Identifiers: ClinVar variation 1520220 (VCV001520220.8), dbSNP rs546116718, ClinGen allele CA3577075.
Genomic context (GRCh38, chr5:177,209,762, plus strand): 5'-AAGGGGTCAAAGAACCGAAAATGTATTCCTGGTTCAATCAAGTTGGACAGTGAAGAAGAT[A>G]TGCCATTTGAAGACTGCACAAATGATCCTGAGTCAGAACATGACCTGTTGCTTAATGGCT-3'
Protein context (NP_071900.2, residues 445-465): GSIKLDSEED[Met455Val]PFEDCTNDPE